The following is an entry in ClinVar:

NM_004380.3(CREBBP):c.2561A>C (p.His854Pro)

Gene: CREBBP (CREB binding lysine acetyltransferase; minus strand). Cytogenetic location: 16p13.3.
Variant type: single nucleotide variant.
Coding change: c.2561A>C on transcript NM_004380.3 (MANE Select); coding-DNA position 2561, A replaced by C.
Protein change: p.His854Pro; replaces histidine 854 with proline.
Molecular consequence: missense variant.
Genome position (GRCh38, 1-based): chr16:3,770,889, T>G on the plus strand (A>C on the coding strand, the complement: CREBBP is on the minus strand). VCF-style: chr16-3770889-T-G. GRCh37 (hg19) VCF-style: chr16-3820890-T-G.
Other names: c.2447A>C, p.His816Pro (NM_001079846.1); short protein forms H816P, H854P.
Identifiers: ClinVar variation 2201954 (VCV002201954.6), dbSNP rs755869801, ClinGen allele CA7870081.

ClinVar aggregate classification (germline): Conflicting classifications of pathogenicity. Review status: criteria provided, conflicting classifications (1 of 4 stars). 2 submissions from 2 submitters: Uncertain significance (1); Likely benign (1). Last evaluated 2026-01-23.

Conditions:
Rubinstein-Taybi syndrome (RSTS). Identifiers: Orphanet 783, MedGen C0035934, MONDO:0019188.

Allele frequency attached by ClinVar (database versions not stated): gnomAD 0.00001; gnomAD exomes 0.00001; TOPMed below 0.00001; ExAC 0.00001.
gnomAD v4.1: 6 of 1,613,406 alleles (0.00037%); highest among the groups gnomAD compares: Admixed American, 0.0033%; no homozygotes.

Submissions (2):

Dasa
Classification: Uncertain significance. Last evaluated: 2026-01-23. Review status: criteria provided, single submitter. Criteria: DASA Assertion Criteria. Collection method: clinical testing. Allele origin: germline.
Comment: NM_004380.3(CREBBP):c.2561A>C (p.His854Pro) is a missense variant that results in the substitution of histidine with proline. This variant is rare in population databases. The currently available literature and clinical evidence are not sufficient to establish a definitive association between this variant and the reported condition. Therefore, this variant is classified as a variant of uncertain significance.

Labcorp Genetics (formerly Invitae), Labcorp
Classification: Likely benign for Rubinstein-Taybi syndrome. Last evaluated: 2024-06-05. Review status: criteria provided, single submitter. Criteria: Invitae Variant Classification Sherloc (09022015). Collection method: clinical testing. Allele origin: germline.